The following is an entry in ClinVar:

NM_022166.4(XYLT1):c.2047C>A (p.Pro683Thr)

Gene: XYLT1 (xylosyltransferase 1; minus strand). Cytogenetic location: 16p12.3.
Variant type: single nucleotide variant.
Coding change: c.2047C>A on transcript NM_022166.4 (MANE Select); coding-DNA position 2047, C replaced by A.
Protein change: p.Pro683Thr; replaces proline 683 with threonine.
Molecular consequence: missense variant.
Genome position (GRCh38, 1-based): chr16:17,127,842, G>T on the plus strand (C>A on the coding strand, the complement: XYLT1 is on the minus strand). VCF-style: chr16-17127842-G-T. GRCh37 (hg19) VCF-style: chr16-17221699-G-T.
Other names: short protein forms P683T.
Identifiers: ClinVar variation 2118591 (VCV002118591.4), dbSNP rs563563293, ClinGen allele CA395219249.

ClinVar aggregate classification (germline): Uncertain significance (1 of 4 stars; one submission).

Conditions:
Desbuquois dysplasia 1 (DBQD1). Also called: MICROMELIC DWARFISM WITH VERTEBRAL AND METAPHYSEAL ABNORMALITIES AND ADVANCED CARPOTARSAL OSSIFICATION; DESBUQUOIS DYSPLASIA 1, KIM VARIANT. Identifiers: Orphanet 1425, MedGen C4012146, MONDO:0009629, OMIM 251450.

Submission:

Labcorp Genetics (formerly Invitae), Labcorp
Classification: Uncertain significance for Desbuquois dysplasia 1. Last evaluated: 2022-11-08. Review status: criteria provided, single submitter. Criteria: Invitae Variant Classification Sherloc (09022015). Collection method: clinical testing. Allele origin: germline.
Comment: This sequence change replaces proline, which is neutral and non-polar, with threonine, which is neutral and polar, at codon 683 of the XYLT1 protein (p.Pro683Thr). In summary, the available evidence is currently insufficient to determine the role of this variant in disease. Therefore, it has been classified as a Variant of Uncertain Significance. Advanced modeling of protein sequence and biophysical properties (such as structural, functional, and spatial information, amino acid conservation, physicochemical variation, residue mobility, and thermodynamic stability) performed at Invitae indicates that this missense variant is not expected to disrupt XYLT1 protein function. This variant has not been reported in the literature in individuals affected with XYLT1-related conditions. This variant is not present in population databases (gnomAD no frequency).